The following is an entry in ClinVar:

ClinVar aggregate classification (germline): Uncertain significance. Review status: criteria provided, multiple submitters, no conflicts (2 of 4 stars). 3 submissions from 3 submitters: Uncertain significance (3). Last evaluated 2024-08-01.

Conditions:
Familial cold autoinflammatory syndrome 3 (FCAS3). Also called: FAMILIAL ATYPICAL COLD URTICARIA; ANTIBODY DEFICIENCY AND IMMUNE DYSREGULATION, PLCG2-ASSOCIATED. Identifiers: Orphanet 300359, MedGen C3280914, MONDO:0013766, OMIM 614468.
PLCG2-related disorder. Also called: PLCG2-related condition.

Allele frequency attached by ClinVar (database versions not stated): ExAC 0.00001.
gnomAD v4.1: 17 of 1,603,982 alleles (0.0011%); highest among the groups gnomAD compares: Non-Finnish European, 0.0015%; no homozygotes.

Submissions (3):

CeGaT Center for Human Genetics Tuebingen
Classification: Uncertain significance. Last evaluated: 2024-08-01. Review status: criteria provided, single submitter. Criteria: CeGaT Center For Human Genetics Tuebingen Variant Classification Criteria Version 2. Collection method: clinical testing. Allele origin: germline. Affected: yes. Observed: 1 variant allele.

Labcorp Genetics (formerly Invitae), Labcorp
Classification: Uncertain significance for Familial cold autoinflammatory syndrome 3. Last evaluated: 2023-09-04. Review status: criteria provided, single submitter. Criteria: Invitae Variant Classification Sherloc (09022015). Collection method: clinical testing. Allele origin: germline.
Comment: In summary, the available evidence is currently insufficient to determine the role of this variant in disease. Therefore, it has been classified as a Variant of Uncertain Significance. This sequence change replaces threonine, which is neutral and polar, with methionine, which is neutral and non-polar, at codon 1101 of the PLCG2 protein (p.Thr1101Met). An algorithm developed to predict the effect of missense changes on protein structure and function (PolyPhen-2) suggests that this variant is likely to be disruptive. This variant is present in population databases (rs755617580, gnomAD 0.002%). This variant has not been reported in the literature in individuals affected with PLCG2-related conditions.

PreventionGenetics, part of Exact Sciences
Classification: Uncertain significance for PLCG2-related condition. Last evaluated: 2022-10-17. Review status: criteria provided, single submitter. Criteria: ACMG Guidelines, 2015. Collection method: clinical testing. Allele origin: germline.
Comment: The PLCG2 c.3302C>T variant is predicted to result in the amino acid substitution p.Thr1101Met. To our knowledge, this variant has not been reported in the literature. This variant is reported in 0.0018% of alleles in individuals of European (Non-Finnish) descent in gnomAD. At this time, the clinical significance of this variant is uncertain due to the absence of conclusive functional and genetic evidence.

NM_002661.5(PLCG2):c.3302C>T (p.Thr1101Met)

Gene: PLCG2 (phospholipase C gamma 2; plus strand). Cytogenetic location: 16q23.3.
Variant type: single nucleotide variant.
Coding change: c.3302C>T on transcript NM_002661.5 (MANE Select); coding-DNA position 3302, C replaced by T.
Protein change: p.Thr1101Met; replaces threonine 1101 with methionine.
Molecular consequence: missense variant.
Genome position (GRCh38, 1-based): chr16:81,938,904, C>T. VCF-style: chr16-81938904-C-T. GRCh37 (hg19) VCF-style: chr16-81972509-C-T.
Other names: short protein forms T1101M.
Identifiers: ClinVar variation 2637406 (VCV002637406.20), dbSNP rs755617580, ClinGen allele CA8194659.
Genomic context (GRCh38, chr16:81,938,904, plus strand): 5'-CCTGTCCCTTTGTAGAAGTGGAGATCTGTGGAGCCGAGTATGACAACAACAAGTTCAAGA[C>T]GACGGTTGTGAGTAAGTCAGTCACCTTGGCCCCTCTGCTTTTAAACGTCCGGCCAGTGAA-3'
Protein context (NP_002652.2, residues 1091-1111): GAEYDNNKFK[Thr1101Met]TVVNDNGLSP